The following is an entry in ClinVar:

ClinVar aggregate classification (germline): Uncertain significance (1 of 4 stars; one submission).

Conditions:
Hypertrophic cardiomyopathy. Also called: HYPERTROPHIC MYOCARDIOPATHY. Identifiers: Orphanet 217569, MedGen C0007194, MeSH D002312, MONDO:0005045, HP:0001639.

gnomAD v4.1: 1 of 1,613,976 alleles (0.000062%); highest among the groups gnomAD compares: Non-Finnish European, 0.000085%; no homozygotes.

Submission:

Labcorp Genetics (formerly Invitae), Labcorp
Classification: Uncertain significance for Hypertrophic cardiomyopathy. Last evaluated: 2025-03-26. Review status: criteria provided, single submitter. Criteria: Invitae Variant Classification Sherloc (09022015). Collection method: clinical testing. Allele origin: germline.
Comment: This sequence change replaces isoleucine, which is neutral and non-polar, with threonine, which is neutral and polar, at codon 134 of the MYOZ2 protein (p.Ile134Thr). This variant is not present in population databases (gnomAD no frequency). This variant has not been reported in the literature in individuals affected with MYOZ2-related conditions. Invitae Evidence Modeling of protein sequence and biophysical properties (such as structural, functional, and spatial information, amino acid conservation, physicochemical variation, residue mobility, and thermodynamic stability) indicates that this missense variant is not expected to disrupt MYOZ2 protein function with a negative predictive value of 80%. In summary, the available evidence is currently insufficient to determine the role of this variant in disease. Therefore, it has been classified as a Variant of Uncertain Significance.

NM_016599.5(MYOZ2):c.401T>C (p.Ile134Thr)

Gene: MYOZ2 (myozenin 2; plus strand). Cytogenetic location: 4q26.
Variant type: single nucleotide variant.
Coding change: c.401T>C on transcript NM_016599.5 (MANE Select); coding-DNA position 401, T replaced by C.
Protein change: p.Ile134Thr; replaces isoleucine 134 with threonine.
Molecular consequence: missense variant.
Genome position (GRCh38, 1-based): chr4:119,164,235, T>C. VCF-style: chr4-119164235-T-C. GRCh37 (hg19) VCF-style: chr4-120085390-T-C.
Other names: c.401T>C, p.Ile134Thr (NM_001440645.1, NM_001440646.1); short protein forms I134T.
Identifiers: ClinVar variation 4807904 (VCV004807904.1).